The following is an entry in ClinVar:

NM_003803.4(MYOM1):c.4886_4887dup (p.Tyr1630fs)

Gene: MYOM1 (myomesin 1; minus strand). Cytogenetic location: 18p11.31.
Variant type: Microsatellite.
Coding change: c.4886_4887dup on transcript NM_003803.4 (MANE Select); coding-DNA positions 4886 to 4887, 2 bases duplicated (CG; older notation c.4886_4887dupCG).
Protein change: p.Tyr1630fs; shifts the reading frame from tyrosine 1630.
Molecular consequence: frameshift variant.
Genome position (GRCh38, 1-based): chr18:3,067,433-3,067,434, CG duplicated on the plus strand (CG on the coding strand, the reverse complement: MYOM1 is on the minus strand); duplicating any 2 consecutive bases within chr18:3,067,433-3,067,436 gives the same sequence; the c. name uses the placement nearest the transcript's 3' end. VCF-style (leftmost placement, unchanged base first): chr18-3067432-A-ACG. GRCh37 (hg19) VCF-style: chr18-3067430-A-ACG.
Other names: c.4598_4599dup, p.Tyr1534fs (NM_019856.2); short protein forms Y1630fs, Y1534fs.
Identifiers: ClinVar variation 954783 (VCV000954783.7), dbSNP rs2078909692, ClinGen allele CA2280858732.

ClinVar aggregate classification (germline): Uncertain significance (1 of 4 stars; one submission).

Conditions:
Hypertrophic cardiomyopathy. Also called: HYPERTROPHIC MYOCARDIOPATHY. Identifiers: Orphanet 217569, MedGen C0007194, MeSH D002312, MONDO:0005045, HP:0001639.

Submission:

Labcorp Genetics (formerly Invitae), Labcorp
Classification: Uncertain significance for Hypertrophic cardiomyopathy. Last evaluated: 2023-07-22. Review status: criteria provided, single submitter. Criteria: Invitae Variant Classification Sherloc (09022015). Collection method: clinical testing. Allele origin: germline.
Comment: This sequence change creates a premature translational stop signal (p.Tyr1630Argfs*8) in the MYOM1 gene. While this is not anticipated to result in nonsense mediated decay, it is expected to disrupt the last 56 amino acid(s) of the MYOM1 protein. In summary, the available evidence is currently insufficient to determine the role of this variant in disease. Therefore, it has been classified as a Variant of Uncertain Significance. This variant is not present in population databases (gnomAD no frequency). This variant has not been reported in the literature in individuals affected with MYOM1-related conditions. ClinVar contains an entry for this variant (Variation ID: 954783).